The following is an entry in ClinVar:

NM_001379200.1(TBX1):c.1192C>T (p.Pro398Ser)

Gene: TBX1 (T-box transcription factor 1; plus strand). Cytogenetic location: 22q11.21.
Variant type: single nucleotide variant.
Coding change: c.1192C>T on transcript NM_001379200.1 (MANE Select); coding-DNA position 1192, C replaced by T.
Protein change: p.Pro398Ser; replaces proline 398 with serine.
Molecular consequence: missense variant. On other transcripts: intron variant (2).
Genome position (GRCh38, 1-based): chr22:19,766,544, C>T. VCF-style: chr22-19766544-C-T. GRCh37 (hg19) VCF-style: chr22-19754067-C-T.
Other names: c.1165C>T, p.Pro389Ser (NM_080647.1); c.1009+542C>T (NM_005992.1, NM_080646.2); short protein forms P389S, P398S.
Identifiers: ClinVar variation 4806641 (VCV004806641.1).

ClinVar aggregate classification (germline): Uncertain significance (1 of 4 stars; one submission).

Conditions:
DiGeorge syndrome. Also called: THIRD AND FOURTH PHARYNGEAL POUCH SYNDROME; Catch22. Identifiers: Orphanet 567, MedGen C0012236, MONDO:0008564, OMIM 188400.

Submission:

Labcorp Genetics (formerly Invitae), Labcorp
Classification: Uncertain significance for DiGeorge syndrome. Last evaluated: 2025-10-27. Review status: criteria provided, single submitter. Criteria: Invitae Variant Classification Sherloc (09022015). Collection method: clinical testing. Allele origin: germline.
Comment: This sequence change replaces proline, which is neutral and non-polar, with serine, which is neutral and polar, at codon 389 of the TBX1 protein (p.Pro389Ser). This variant is not present in population databases (gnomAD no frequency). This variant has not been reported in the literature in individuals affected with TBX1-related conditions. An algorithm developed to predict the effect of missense changes on protein structure and function outputs the following: PolyPhen-2: "Benign". The serine amino acid residue is found in multiple mammalian species, which suggests that this missense change does not adversely affect protein function. In summary, the available evidence is currently insufficient to determine the role of this variant in disease. Therefore, it has been classified as a Variant of Uncertain Significance.